The following is an entry in ClinVar:

NM_022455.5(NSD1):c.3492_3493insGTTAA (p.Gln1165fs)

Gene: NSD1 (nuclear receptor binding SET domain protein 1; plus strand). Cytogenetic location: 5q35.3.
Variant type: Insertion.
Coding change: c.3492_3493insGTTAA on transcript NM_022455.5 (MANE Select); coding-DNA positions 3492 to 3493, GTTAA inserted.
Protein change: p.Gln1165fs; shifts the reading frame from glutamine 1165.
Molecular consequence: frameshift variant.
Genome position: GRCh38 VCF-style: chr5-177211891-C-CGTTAA. GRCh37 (hg19) VCF-style: chr5-176638892-C-CGTTAA.
Other names: c.2619_2620insGTTAA, p.Gln874fs (NM_001365684.2, NM_001409306.1, NM_001409307.1 and 3 more transcripts); c.3492_3493insGTTAA, p.Gln1165fs (NM_001409301.1, NM_001409302.1, NM_001409303.1); c.3072_3073insGTTAA, p.Gln1025fs (NM_001409304.1); c.2739_2740insGTTAA, p.Gln914fs (NM_001409305.1); short protein forms Q1025fs, Q1165fs, Q914fs, Q874fs.
Identifiers: ClinVar variation 3631553 (VCV003631553.2).

ClinVar aggregate classification (germline): Pathogenic (1 of 4 stars; one submission).

Submission:

Labcorp Genetics (formerly Invitae), Labcorp
Classification: Pathogenic. Last evaluated: 2023-04-06. Review status: criteria provided, single submitter. Criteria: Invitae Variant Classification Sherloc (09022015). Collection method: clinical testing. Allele origin: germline.
Comment: For these reasons, this variant has been classified as Pathogenic. This variant has not been reported in the literature in individuals affected with NSD1-related conditions. This variant is not present in population databases (gnomAD no frequency). This sequence change creates a premature translational stop signal (p.Gln1165Valfs*12) in the NSD1 gene. It is expected to result in an absent or disrupted protein product. Loss-of-function variants in NSD1 are known to be pathogenic (PMID: 12464997, 14571271, 15942875, 16247291).

Literature cited by the submitters: PubMed 12464997; PubMed 14571271; PubMed 15942875; PubMed 16247291.